The following is an entry in ClinVar:

ClinVar aggregate classification (germline): Uncertain significance (1 of 4 stars; one submission).

Conditions:
Immunodeficiency 37 (IMD37). Identifiers: MedGen C4015195, MONDO:0014491, OMIM 616098.

gnomAD v4.1: 3 of 1,613,728 alleles (0.00019%); highest among the groups gnomAD compares: Non-Finnish European, 0.00017%; no homozygotes.

Submission:

Labcorp Genetics (formerly Invitae), Labcorp
Classification: Uncertain significance for Immunodeficiency 37. Last evaluated: 2022-08-21. Review status: criteria provided, single submitter. Criteria: Invitae Variant Classification Sherloc (09022015). Collection method: clinical testing. Allele origin: germline.
Comment: This sequence change replaces serine, which is neutral and polar, with cysteine, which is neutral and slightly polar, at codon 7 of the BCL10 protein (p.Ser7Cys). This variant is not present in population databases (gnomAD no frequency). This variant has not been reported in the literature in individuals affected with BCL10-related conditions. Algorithms developed to predict the effect of missense changes on protein structure and function (SIFT, PolyPhen-2, Align-GVGD) all suggest that this variant is likely to be tolerated. In summary, the available evidence is currently insufficient to determine the role of this variant in disease. Therefore, it has been classified as a Variant of Uncertain Significance.

NM_003921.5(BCL10):c.20C>G (p.Ser7Cys)

Genes: BCL10 (BCL10 immune signaling adaptor; minus strand), LOC126805771 (CDK7 strongly-dependent group 2 enhancer GRCh37_chr1:85741508-85742707; plus strand). Cytogenetic location: 1p22.3.
Variant type: single nucleotide variant.
Coding change: c.20C>G on transcript NM_003921.5 (MANE Select); coding-DNA position 20, C replaced by G.
Protein change: p.Ser7Cys; replaces serine 7 with cysteine.
Molecular consequence: missense variant.
Genome position (GRCh38, 1-based): chr1:85,276,333, G>C on the plus strand (C>G on the coding strand, the complement: BCL10 is on the minus strand). VCF-style: chr1-85276333-G-C. GRCh37 (hg19) VCF-style: chr1-85742016-G-C.
Other names: c.20C>G, p.Ser7Cys (NM_001320715.2); short protein forms S7C.
Identifiers: ClinVar variation 2126410 (VCV002126410.1), dbSNP rs1268648553, ClinGen allele CA340952917.